The following is an entry in ClinVar:

NM_001163278.2(TENM1):c.3143C>T (p.Thr1048Met)

Gene: TENM1 (teneurin transmembrane protein 1; minus strand). Cytogenetic location: Xq25.
Variant type: single nucleotide variant.
Coding change: c.3143C>T on transcript NM_001163278.2 (MANE Select); coding-DNA position 3143, C replaced by T.
Protein change: p.Thr1048Met; replaces threonine 1048 with methionine.
Molecular consequence: missense variant.
Genome position (GRCh38, 1-based): chrX:124,520,675, G>A on the plus strand (C>T on the coding strand, the complement: TENM1 is on the minus strand). VCF-style: chrX-124520675-G-A. GRCh37 (hg19) VCF-style: chrX-123654525-G-A.
Other names: c.3140C>T, p.Thr1047Met (NM_001163279.1); c.3143C>T, p.Thr1048Met (NM_014253.3); short protein forms T1048M, T1047M.
Identifiers: ClinVar variation 560231 (VCV000560231.4), dbSNP rs1569536039, ClinGen allele CA414285412.
Genomic context (GRCh38, chrX:124,520,675, plus strand): 5'-TGTGTGAGTCGCCCTTCCACAGCTACTGTGAGGTGTACTTTTATCATGCCTACAGGAATC[G>A]TTGAATGTGTCAGAAGGATCCGTAGCAGGGTTTTATACCCAGGGGTGCGGCTGCTCAGGT-3'
Protein context (NP_001156750.1, residues 1038-1058): TLLRILLTHS[Thr1048Met]IPVGMIKVHL

ClinVar aggregate classification (germline): Uncertain significance (1 of 4 stars; one submission).

Allele frequency attached by ClinVar (database versions not stated): gnomAD exomes below 0.00001; TOPMed below 0.00001.

Submission:

Geisinger Autism and Developmental Medicine Institute, Geisinger Health System
Classification: Uncertain significance. Last evaluated: 2017-10-26. Review status: criteria provided, single submitter. Criteria: ACMG Guidelines, 2015. Collection method: provider interpretation, clinical testing. Allele origin: maternal. Observed: 1 variant allele.
Comment: The variant has not been reported in population databases (ExAC and gnomAD). Another missense variant has been reported at the same amino acid residue (p.Thr1048Ala) in European Non-Finnish population at a frequency of 0.004169%. At the time of the lab report, no known human disorders had been clearly associated with this gene. Missense variants have been reported in one family with general anosmia (PMID:27040985), an individual in a WES cohort with cerebral palsy (PMID:25666757), and an individual with autism (PMID:25621899). A de novo truncating variant has been identified in an individual with schizophrenia (PMID:23911319).

Literature cited by the submitters: PubMed 27040985; PubMed 25666757; PubMed 25621899; PubMed 23911319.